The following is an entry in ClinVar:

ClinVar aggregate classification (germline): Likely benign (1 of 4 stars; one submission).

Allele frequency attached by ClinVar (database versions not stated): ExAC 0.00002; gnomAD 0.00002; gnomAD exomes 0.00002; ESP Exome Variant Server 0.00008.
gnomAD v4.1: 31 of 1,614,050 alleles (0.0019%); highest among the groups gnomAD compares: Middle Eastern, 0.016%; no homozygotes.

Submission:

CeGaT Center for Human Genetics Tuebingen
Classification: Likely benign. Last evaluated: 2023-01-01. Review status: criteria provided, single submitter. Criteria: CeGaT Center For Human Genetics Tuebingen Variant Classification Criteria Version 2. Collection method: clinical testing. Allele origin: germline. Affected: yes. Observed: 1 variant allele.
Comment: LONP1: BP4, BP7

NM_004793.4(LONP1):c.1284C>T (p.Leu428=)

Gene: LONP1 (lon peptidase 1, mitochondrial; minus strand). Cytogenetic location: 19p13.3.
Variant type: single nucleotide variant.
Coding change: c.1284C>T on transcript NM_004793.4 (MANE Select); coding-DNA position 1284, C replaced by T.
Protein change: p.Leu428=; no amino-acid change (leucine 428 retained).
Molecular consequence: synonymous variant. On other transcripts: non-coding transcript variant (1).
Genome position (GRCh38, 1-based): chr19:5,705,855, G>A on the plus strand (C>T on the coding strand, the complement: LONP1 is on the minus strand). VCF-style: chr19-5705855-G-A. GRCh37 (hg19) VCF-style: chr19-5705866-G-A.
Other names: c.1092C>T, p.Leu364= (NM_001276479.2); c.696C>T, p.Leu232= (NM_001276480.1).
Identifiers: ClinVar variation 2649123 (VCV002649123.24), dbSNP rs368472114, ClinGen allele CA9114759.